The following is an entry in ClinVar:

NM_001379500.1(COL18A1):c.79G>C (p.Gly27Arg)

Genes: BNAT1 (breast cancer associated ESR1 regulating natural antisense transcript 1; minus strand), COL18A1 (collagen type XVIII alpha 1 chain; plus strand). Cytogenetic location: 21q22.3.
Variant type: single nucleotide variant.
Coding change: c.79G>C on transcript NM_001379500.1 (MANE Select); coding-DNA position 79, G replaced by C.
Protein change: p.Gly27Arg; replaces glycine 27 with arginine.
Molecular consequence: missense variant.
Genome position (GRCh38, 1-based): chr21:45,405,446, G>C. VCF-style: chr21-45405446-G-C. GRCh37 (hg19) VCF-style: chr21-46825361-G-C.
Other names: short protein forms G27R.
Identifiers: ClinVar variation 1361139 (VCV001361139.4), dbSNP rs1370627844, ClinGen allele CA410620405.

ClinVar aggregate classification (germline): Uncertain significance (1 of 4 stars; one submission).

Allele frequency attached by ClinVar (database versions not stated): TOPMed below 0.00001; gnomAD exomes 0.00003.
gnomAD v4.1: 3 of 1,381,150 alleles (0.00022%); highest among the groups gnomAD compares: Admixed American, 0.0026%; no homozygotes.

Submission:

Labcorp Genetics (formerly Invitae), Labcorp
Classification: Uncertain significance. Last evaluated: 2025-07-28. Review status: criteria provided, single submitter. Criteria: Invitae Variant Classification Sherloc (09022015). Collection method: clinical testing. Allele origin: germline.
Comment: This sequence change replaces glycine with arginine at codon 27 of the COL18A1 protein (p.Gly27Arg). This variant is present in population databases (no rsID available, gnomAD 0.004%). This variant has not been reported in the literature in individuals affected with COL18A1-related conditions. ClinVar contains an entry for this variant (Variation ID: 1361139). Experimental studies and prediction algorithms are not available or were not evaluated, and the functional significance of this variant is currently unknown. In summary, the available evidence is currently insufficient to determine the role of this variant in disease. Therefore, it has been classified as a Variant of Uncertain Significance.